The following is an entry in ClinVar:

NM_024753.5(TTC21B):c.895-253G>A

Gene: TTC21B (tetratricopeptide repeat domain 21B; minus strand). Cytogenetic location: 2q24.3.
Variant type: single nucleotide variant.
Coding change: c.895-253G>A on transcript NM_024753.5 (MANE Select); 253 bases into the intron before coding-DNA position 895, G replaced by A.
Molecular consequence: intron variant.
Genome position (GRCh38, 1-based): chr2:165,930,617, C>T on the plus strand (G>A on the coding strand, the complement: TTC21B is on the minus strand). VCF-style: chr2-165930617-C-T. GRCh37 (hg19) VCF-style: chr2-166787127-C-T.
Identifiers: ClinVar variation 673886 (VCV000673886.1), dbSNP rs116825599, ClinGen allele CA59757233.
Genomic context (GRCh38, chr2:165,930,617, plus strand): 5'-CAGAACTTAATATCCTAATGAATATAATGCTTTTACAAAATAACTAGTATGAAAAGTACA[C>T]TTCTAATGATGTCACTGCAAAAACATATTTTTTGAACTCCTTTTCCAAGCTGTCTCATGA-3'

ClinVar aggregate classification (germline): Likely benign (1 of 4 stars; one submission).

Allele frequency attached by ClinVar (database versions not stated): 1000 Genomes Project 0.01098; 1000 Genomes Project 30x 0.01249; gnomAD 0.01328 and 0.01411; TOPMed 0.01524.

Submission:

GeneDx
Classification: Likely benign. Last evaluated: 2018-06-16. Review status: criteria provided, single submitter. Criteria: GeneDx Variant Classification (06012015). Collection method: clinical testing. Allele origin: germline. Affected: yes.
Comment: This variant is considered likely benign or benign based on one or more of the following criteria: it is a conservative change, it occurs at a poorly conserved position in the protein, it is predicted to be benign by multiple in silico algorithms, and/or has population frequency not consistent with disease.